The following is an entry in ClinVar:

NM_000890.5(KCNJ5):c.881T>G (p.Leu294Arg)

Gene: KCNJ5 (potassium inwardly rectifying channel subfamily J member 5; plus strand). Cytogenetic location: 11q24.3.
Variant type: single nucleotide variant.
Coding change: c.881T>G on transcript NM_000890.5 (MANE Select); coding-DNA position 881, T replaced by G.
Protein change: p.Leu294Arg; replaces leucine 294 with arginine.
Molecular consequence: missense variant.
Genome position (GRCh38, 1-based): chr11:128,912,154, T>G. VCF-style: chr11-128912154-T-G. GRCh37 (hg19) VCF-style: chr11-128782049-T-G.
Other names: c.881T>G, p.Leu294Arg (NM_001354169.2); short protein forms L294R.
Identifiers: ClinVar variation 4090512 (VCV004090512.1).
Genomic context (GRCh38, chr11:128,912,154, plus strand): 5'-TGATCATCTCCCATGAGATCAACCAGAAGAGCCCTTTCTGGGAGATGTCTCAGGCTCAGC[T>G]GCATCAGGAAGAGTTTGAAGTTGTGGTCATTCTAGAAGGGATGGTGGAAGCCACAGGTAA-3'
Protein context (NP_000881.3, residues 284-304): SPFWEMSQAQ[Leu294Arg]HQEEFEVVVI

ClinVar aggregate classification (germline): Uncertain significance (1 of 4 stars; one submission).

Conditions:
Cardiovascular phenotype. Identifiers: MedGen CN230736.

gnomAD v4.1: 14 of 1,610,834 alleles (0.00087%); highest among the groups gnomAD compares: Non-Finnish European, 0.0012%; no homozygotes.

Submission:

Ambry Genetics
Classification: Uncertain significance for Cardiovascular phenotype. Last evaluated: 2025-09-08. Review status: criteria provided, single submitter. Criteria: Ambry Variant Classification Scheme 2023. Collection method: clinical testing. Allele origin: germline.
Comment: The p.L294R variant (also known as c.881T>G), located in coding exon 1 of the KCNJ5 gene, results from a T to G substitution at nucleotide position 881. The leucine at codon 294 is replaced by arginine, an amino acid with dissimilar properties. This amino acid position is not well conserved in available vertebrate species. In addition, this alteration is predicted to be deleterious by in silico analysis. Based on the available evidence, the clinical significance of this variant remains unclear.